The following is an entry in ClinVar:

NM_000051.4(ATM):c.46G>T (p.Glu16Ter)

Gene: ATM (ATM serine/threonine kinase; plus strand). Cytogenetic location: 11q22.3.
Variant type: single nucleotide variant.
Coding change: c.46G>T on transcript NM_000051.4 (MANE Select); coding-DNA position 46, G replaced by T.
Protein change: p.Glu16Ter; replaces glutamic acid 16 with a stop codon.
Molecular consequence: nonsense.
Genome position (GRCh38, 1-based): chr11:108,227,670, G>T. VCF-style: chr11-108227670-G-T. GRCh37 (hg19) VCF-style: chr11-108098397-G-T.
Other names: c.46G>T, p.Glu16Ter (NM_001351834.2, NM_001351835.2, NM_001351836.2); short protein forms E16*.
Identifiers: ClinVar variation 2820399 (VCV002820399.3), dbSNP rs2135005753, ClinGen allele CA382519170.

ClinVar aggregate classification (germline): Pathogenic (1 of 4 stars; one submission).

Conditions:
Ataxia-telangiectasia syndrome (AT). Also called: ATAXIA-TELANGIECTASIA, COMPLEMENTATION GROUP A; Ataxia telangiectasia (A-T); Cerebello-oculocutaneous telangiectasia; Immunodeficiency with ataxia telangiectasia; LOUIS-BAR SYNDROME; ATAXIA-TELANGIECTASIA, FRESNO VARIANT. Identifiers: Orphanet 100, MedGen C0004135, MONDO:0008840, OMIM 208900.

Submission:

Labcorp Genetics (formerly Invitae), Labcorp
Classification: Pathogenic for Ataxia-telangiectasia syndrome. Last evaluated: 2023-10-29. Review status: criteria provided, single submitter. Criteria: Invitae Variant Classification Sherloc (09022015). Collection method: clinical testing. Allele origin: germline.
Comment: This sequence change creates a premature translational stop signal (p.Glu16*) in the ATM gene. It is expected to result in an absent or disrupted protein product. Loss-of-function variants in ATM are known to be pathogenic (PMID: 23807571, 25614872). This variant is not present in population databases (gnomAD no frequency). This variant has not been reported in the literature in individuals affected with ATM-related conditions. Algorithms developed to predict the effect of sequence changes on RNA splicing suggest that this variant may disrupt the consensus splice site. For these reasons, this variant has been classified as Pathogenic.

Literature cited by the submitters: PubMed 23807571; PubMed 25614872.